The following is an entry in ClinVar:

NM_000214.3(JAG1):c.1693G>A (p.Asp565Asn)

Gene: JAG1 (jagged canonical Notch ligand 1; minus strand). Cytogenetic location: 20p12.2.
Variant type: single nucleotide variant.
Coding change: c.1693G>A on transcript NM_000214.3 (MANE Select); coding-DNA position 1693, G replaced by A.
Protein change: p.Asp565Asn; replaces aspartic acid 565 with asparagine.
Molecular consequence: missense variant.
Genome position (GRCh38, 1-based): chr20:10,647,987, C>T on the plus strand (G>A on the coding strand, the complement: JAG1 is on the minus strand). VCF-style: chr20-10647987-C-T. GRCh37 (hg19) VCF-style: chr20-10628635-C-T.
Other names: short protein forms D565N.
Identifiers: ClinVar variation 2699300 (VCV002699300.3), dbSNP rs2514516564, ClinGen allele CA408236756.

ClinVar aggregate classification (germline): Uncertain significance (1 of 4 stars; one submission).

Conditions:
Alagille syndrome due to a JAG1 point mutation. Also called: Alagille Syndrome 1; JAG1-Related Alagille Syndrome; HEPATIC DUCTULAR HYPOPLASIA, SYNDROMATIC. Identifiers: Orphanet 261619, Orphanet 52, MedGen C1956125, MONDO:0016862, OMIM 118450.

Submission:

Labcorp Genetics (formerly Invitae), Labcorp
Classification: Uncertain significance for Alagille syndrome due to a JAG1 point mutation. Last evaluated: 2023-11-27. Review status: criteria provided, single submitter. Criteria: Invitae Variant Classification Sherloc (09022015). Collection method: clinical testing. Allele origin: germline.
Comment: This sequence change replaces aspartic acid, which is acidic and polar, with asparagine, which is neutral and polar, at codon 565 of the JAG1 protein (p.Asp565Asn). This variant is not present in population databases (gnomAD no frequency). This variant has not been reported in the literature in individuals affected with JAG1-related conditions. Advanced modeling of protein sequence and biophysical properties (such as structural, functional, and spatial information, amino acid conservation, physicochemical variation, residue mobility, and thermodynamic stability) has been performed at Invitae for this missense variant, however the output from this modeling did not meet the statistical confidence thresholds required to predict the impact of this variant on JAG1 protein function. In summary, the available evidence is currently insufficient to determine the role of this variant in disease. Therefore, it has been classified as a Variant of Uncertain Significance.